The following is an entry in ClinVar:

NM_000057.4(BLM):c.695G>A (p.Ser232Asn)

Gene: BLM (BLM RecQ like helicase; plus strand). Cytogenetic location: 15q26.1.
Variant type: single nucleotide variant.
Coding change: c.695G>A on transcript NM_000057.4 (MANE Select); coding-DNA position 695, G replaced by A.
Protein change: p.Ser232Asn; replaces serine 232 with asparagine.
Molecular consequence: missense variant. On other transcripts: 5 prime UTR variant (1).
Genome position (GRCh38, 1-based): chr15:90,749,963, G>A. VCF-style: chr15-90749963-G-A. GRCh37 (hg19) VCF-style: chr15-91293193-G-A.
Other names: c.695G>A, p.Ser232Asn (NM_001287246.2, NM_001287247.2); c.-597G>A (NM_001287248.2); short protein forms S232N.
Identifiers: ClinVar variation 2151126 (VCV002151126.5), dbSNP rs1208103589, ClinGen allele CA393841359.
Genomic context (GRCh38, chr15:90,749,963, plus strand): 5'-CCTCTGAAAGCGAGCAAATAGATTTGACTGAGGAACAGAAGGATGACTCAGAATGGTTAA[G>A]CAGCGATGTGATTTGCATCGATGATGGCCCCATTGCTGAAGTGCATATAAATGAAGATGC-3'
Protein context (NP_000048.1, residues 222-242): EEQKDDSEWL[Ser232Asn]SDVICIDDGP

ClinVar aggregate classification (germline): Uncertain significance. Review status: criteria provided, multiple submitters, no conflicts (2 of 4 stars). 2 submissions from 2 submitters: Uncertain significance (2). Last evaluated 2023-09-27.

Conditions:
Hereditary cancer-predisposing syndrome. Also called: Neoplastic Syndromes, Hereditary; Hereditary Cancer Syndrome; Tumor predisposition; Hereditary neoplastic syndrome. Identifiers: Orphanet 140162, MedGen C0027672, MeSH D009386, MONDO:0015356.
Bloom syndrome (BLM). Also called: Bloom-Torre-Machacek syndrome. Identifiers: Orphanet 125, MedGen C0005859, MONDO:0008876, OMIM 210900.

Allele frequency attached by ClinVar (database versions not stated): gnomAD exomes below 0.00001; TOPMed below 0.00001.
gnomAD v4.1: 1 of 1,614,236 alleles (0.000062%); highest among the groups gnomAD compares: Non-Finnish European, 0.000085%; no homozygotes.

Submissions (2):

Ambry Genetics
Classification: Uncertain significance for Hereditary cancer-predisposing syndrome. Last evaluated: 2023-09-27. Review status: criteria provided, single submitter. Criteria: Ambry Variant Classification Scheme 2023. Collection method: clinical testing. Allele origin: germline.
Comment: The p.S232N variant (also known as c.695G>A), located in coding exon 2 of the BLM gene, results from a G to A substitution at nucleotide position 695. The serine at codon 232 is replaced by asparagine, an amino acid with highly similar properties. This amino acid position is conserved. In addition, this alteration is predicted to be tolerated by in silico analysis. Since supporting evidence is limited at this time, the clinical significance of this alteration remains unclear.

Labcorp Genetics (formerly Invitae), Labcorp
Classification: Uncertain significance for Bloom syndrome. Last evaluated: 2022-04-24. Review status: criteria provided, single submitter. Criteria: Invitae Variant Classification Sherloc (09022015). Collection method: clinical testing. Allele origin: germline.
Comment: This sequence change replaces serine, which is neutral and polar, with asparagine, which is neutral and polar, at codon 232 of the BLM protein (p.Ser232Asn). This variant is not present in population databases (gnomAD no frequency). This variant has not been reported in the literature in individuals affected with BLM-related conditions. Algorithms developed to predict the effect of missense changes on protein structure and function output the following: SIFT: "Tolerated"; PolyPhen-2: "Benign"; Align-GVGD: "Class C0". The asparagine amino acid residue is found in multiple mammalian species, which suggests that this missense change does not adversely affect protein function. In summary, the available evidence is currently insufficient to determine the role of this variant in disease. Therefore, it has been classified as a Variant of Uncertain Significance.